The following is an entry in ClinVar:

ClinVar aggregate classification (germline): Conflicting classifications of pathogenicity. Review status: criteria provided, conflicting classifications (1 of 4 stars). 7 submissions from 7 submitters: Uncertain significance (1); Benign (2); Likely benign (3). 1 of the submissions does not count toward it. Last evaluated 2026-01-27.

Conditions:
Maturity-onset diabetes of the young type 11. Identifiers: Orphanet 552, MedGen C3150618, MONDO:0013242, OMIM 613375.
BLK-related disorder. Also called: BLK-related condition.

Allele frequency attached by ClinVar (database versions not stated): 1000 Genomes Project 0.00060; 1000 Genomes Project 30x 0.00078; ESP Exome Variant Server 0.00092; gnomAD 0.00117; TOPMed 0.00125; gnomAD exomes 0.00170 and 0.00187; ExAC 0.00188.
gnomAD v4.1: 2,875 of 1,614,070 alleles (0.18%); highest among the groups gnomAD compares: South Asian, 0.28%; 11 homozygotes.

Submissions (7):

Labcorp Genetics (formerly Invitae), Labcorp
Classification: Likely benign. Last evaluated: 2026-01-27. Review status: criteria provided, single submitter. Criteria: Invitae Variant Classification Sherloc (09022015). Collection method: clinical testing. Allele origin: germline.

CeGaT Center for Human Genetics Tuebingen
Classification: Benign. Last evaluated: 2025-04-01. Review status: criteria provided, single submitter. Criteria: CeGaT Center For Human Genetics Tuebingen Variant Classification Criteria Version 2. Collection method: clinical testing. Allele origin: germline. Affected: yes. Observed: 5 variant alleles.
Comment: BLK: BS1, BS2

Blueprint Genetics
Classification: Likely benign. Last evaluated: 2024-10-23. Review status: criteria provided, single submitter. Criteria: ACMG Guidelines, 2015. Collection method: clinical testing. Allele origin: germline.

GeneDx
Classification: Uncertain significance. Last evaluated: 2019-04-30. Review status: criteria provided, single submitter. Criteria: GeneDx Variant Classification Process June 2021. Collection method: clinical testing. Allele origin: germline. Affected: yes.
Comment: In silico analysis, which includes protein predictors and evolutionary conservation, supports a deleterious effect; Has not been previously published as pathogenic or benign to our knowledge

Illumina Laboratory Services, Illumina
Classification: Benign for Maturity-onset diabetes of the young type 11. Last evaluated: 2018-01-13. Review status: criteria provided, single submitter. Criteria: ICSL Variant Classification Criteria 13 December 2019. Collection method: clinical testing. Allele origin: germline.
Comment: This variant was observed in the ICSL laboratory as part of a predisposition screen in an ostensibly healthy population. It had not been previously curated by ICSL or reported in the Human Gene Mutation Database (HGMD: prior to June 1st, 2018), and was therefore a candidate for classification through an automated scoring system. Utilizing variant allele frequency, disease prevalence and penetrance estimates, and inheritance mode, an automated score was calculated to assess if this variant is too frequent to cause the disease. Based on the score and internal cut-off values, a variant classified as benign is not then subjected to further curation. The score for this variant resulted in a classification of benign for this disease.

Genetic Services Laboratory, University of Chicago
Classification: Likely benign. Last evaluated: 2016-11-14. Review status: criteria provided, single submitter. Criteria: ACMG Guidelines, 2015. Collection method: clinical testing. Allele origin: germline. Affected: no.

PreventionGenetics, part of Exact Sciences
Classification: Likely benign for BLK-related condition. Last evaluated: 2019-06-07. Review status: no assertion criteria provided. Collection method: clinical testing. Allele origin: germline. Not counted in ClinVar's aggregate classification.
Comment: This variant is classified as likely benign based on ACMG/AMP sequence variant interpretation guidelines (Richards et al. 2015 PMID: 25741868, with internal and published modifications).

NM_001715.3(BLK):c.974A>C (p.Lys325Thr)

Genes: BLK-AS1 (BLK antisense RNA 1), BLK (BLK proto-oncogene, Src family tyrosine kinase). Cytogenetic location: 8p23.1.
Variant type: single nucleotide variant.
Coding change: c.974A>C on transcript NM_001715.3 (MANE Select); coding-DNA position 974, A replaced by C.
Protein change: p.Lys325Thr; replaces lysine 325 with threonine.
Molecular consequence: missense variant.
Genome position (GRCh38, 1-based): chr8:11,557,983, A>C. VCF-style: chr8-11557983-A-C. GRCh37 (hg19) VCF-style: chr8-11415492-A-C.
Other names: c.761A>C, p.Lys254Thr (NM_001330465.2); short protein forms K325T, K254T.
Identifiers: ClinVar variation 361489 (VCV000361489.45), dbSNP rs77401687, ClinGen allele CA4630198.